The following is an entry in ClinVar:

NM_013275.6(ANKRD11):c.4322T>C (p.Ile1441Thr)

Gene: ANKRD11 (ankyrin repeat domain 11; minus strand). Cytogenetic location: 16q24.3.
Variant type: single nucleotide variant.
Coding change: c.4322T>C on transcript NM_013275.6 (MANE Select); coding-DNA position 4322, T replaced by C.
Protein change: p.Ile1441Thr; replaces isoleucine 1441 with threonine.
Molecular consequence: missense variant.
Genome position (GRCh38, 1-based): chr16:89,282,220, A>G on the plus strand (T>C on the coding strand, the complement: ANKRD11 is on the minus strand). VCF-style: chr16-89282220-A-G. GRCh37 (hg19) VCF-style: chr16-89348628-A-G.
Other names: c.4322T>C, p.Ile1441Thr (NM_001256182.2, NM_001256183.2); short protein forms I1441T.
Identifiers: ClinVar variation 2121542 (VCV002121542.4), dbSNP rs748038681, ClinGen allele CA8242153.

ClinVar aggregate classification (germline): Uncertain significance (1 of 4 stars; one submission).

Conditions:
KBG syndrome (KBGS). Also called: ANKRD11-Related KBG Syndrome. Identifiers: Orphanet 2332, MedGen C0220687, MONDO:0007846, OMIM 148050.

Allele frequency attached by ClinVar (database versions not stated): gnomAD exomes below 0.00001; ExAC 0.00001.
gnomAD v4.1: 1 of 1,612,404 alleles (0.000062%); highest among the groups gnomAD compares: Non-Finnish European, 0.000085%; no homozygotes.

Submission:

Labcorp Genetics (formerly Invitae), Labcorp
Classification: Uncertain significance for KBG syndrome. Last evaluated: 2024-02-24. Review status: criteria provided, single submitter. Criteria: Invitae Variant Classification Sherloc (09022015). Collection method: clinical testing. Allele origin: germline.
Comment: This sequence change replaces isoleucine, which is neutral and non-polar, with threonine, which is neutral and polar, at codon 1441 of the ANKRD11 protein (p.Ile1441Thr). This variant is present in population databases (rs748038681, gnomAD 0.0009%). This variant has not been reported in the literature in individuals affected with ANKRD11-related conditions. ClinVar contains an entry for this variant (Variation ID: 2121542). Advanced modeling of protein sequence and biophysical properties (such as structural, functional, and spatial information, amino acid conservation, physicochemical variation, residue mobility, and thermodynamic stability) performed at Invitae indicates that this missense variant is not expected to disrupt ANKRD11 protein function with a negative predictive value of 95%. In summary, the available evidence is currently insufficient to determine the role of this variant in disease. Therefore, it has been classified as a Variant of Uncertain Significance.